The following is an entry in ClinVar:

NM_006060.6(IKZF1):c.669C>A (p.Cys223Ter)

Gene: IKZF1 (IKAROS family zinc finger 1; plus strand). Cytogenetic location: 7p12.2.
Variant type: single nucleotide variant.
Coding change: c.669C>A on transcript NM_006060.6 (MANE Select); coding-DNA position 669, C replaced by A.
Protein change: p.Cys223Ter; replaces cysteine 223 with a stop codon.
Molecular consequence: nonsense. On other transcripts: intron variant (9).
Genome position (GRCh38, 1-based): chr7:50,387,424, C>A. VCF-style: chr7-50387424-C-A. GRCh37 (hg19) VCF-style: chr7-50455122-C-A.
Other names: c.408C>A, p.Cys136Ter (NM_001220767.2, NM_001291838.2); c.240C>A, p.Cys80Ter (NM_001291841.1, NM_001291842.1); c.729C>A, p.Cys243Ter (NM_001410879.1); c.329-4305C>A (NM_001291839.2, NM_001220770.2); c.590-4305C>A (NM_001220765.3, NM_001291837.2); c.589+4717C>A (NM_001220768.2); c.421+10631C>A (NM_001220771.2); c.161-4305C>A (NM_001291843.1, NM_001291844.1); and 1 more; short protein forms C223*, C243*, C80*, C136*.
Identifiers: ClinVar variation 4735774 (VCV004735774.1).

ClinVar aggregate classification (germline): Uncertain significance (1 of 4 stars; one submission).

Submission:

Labcorp Genetics (formerly Invitae), Labcorp
Classification: Uncertain significance. Last evaluated: 2026-01-19. Review status: criteria provided, single submitter. Criteria: Invitae Variant Classification Sherloc (09022015). Collection method: clinical testing. Allele origin: germline.
Comment: This sequence change creates a premature translational stop signal (p.Cys223*) in the IKZF1 gene. It is expected to result in an absent or disrupted protein product. However, the current clinical and genetic evidence is not sufficient to establish whether loss-of-function variants in IKZF1 cause disease. This variant is not present in population databases (gnomAD no frequency). This variant has not been reported in the literature in individuals affected with IKZF1-related conditions. In summary, the available evidence is currently insufficient to determine the role of this variant in disease. Therefore, it has been classified as a Variant of Uncertain Significance.